The following is an entry in ClinVar:

NM_001348716.2(KDM6B):c.271G>A (p.Glu91Lys)

Gene: KDM6B (lysine demethylase 6B; plus strand). Cytogenetic location: 17p13.1.
Variant type: single nucleotide variant.
Coding change: c.271G>A on transcript NM_001348716.2 (MANE Select); coding-DNA position 271, G replaced by A.
Protein change: p.Glu91Lys; replaces glutamic acid 91 with lysine.
Molecular consequence: missense variant.
Genome position (GRCh38, 1-based): chr17:7,846,112, G>A. VCF-style: chr17-7846112-G-A. GRCh37 (hg19) VCF-style: chr17-7749430-G-A.
Other names: c.271G>A, p.Glu91Lys (NM_001080424.2); short protein forms E91K.
Identifiers: ClinVar variation 4852714 (VCV004852714.2).

ClinVar aggregate classification (germline): Uncertain significance (1 of 4 stars; one submission).

Submission:

Dasa
Classification: Uncertain significance. Last evaluated: 2025-09-18. Review status: criteria provided, single submitter. Criteria: DASA Assertion Criteria. Collection method: clinical testing. Allele origin: germline.
Comment: NM_001348716.2(KDM6B):c.271G>A (p.Glu91Lys) is a missense variant that results in the substitution of glutamic acid with lysine. This variant is absent from population databases. The currently available literature and clinical evidence are not sufficient to establish a definitive association between this variant and the reported condition. Therefore, this variant is classified as a variant of uncertain significance.